The following is an entry in ClinVar:

ClinVar aggregate classification (germline): Uncertain significance (1 of 4 stars; one submission).

Conditions:
Charcot-Marie-Tooth disease axonal type 2O. Also called: Charcot-Marie-Tooth disease, axonal, type 20; CHARCOT-MARIE-TOOTH NEUROPATHY, AXONAL, TYPE 2O; CHARCOT-MARIE-TOOTH DISEASE, AXONAL, AUTOSOMAL DOMINANT, TYPE 2O; Charcot-Marie-Tooth Neuropathy Type 2O. Identifiers: Orphanet 284232, MedGen C3280220, MONDO:0013644, OMIM 614228.

Submission:

Labcorp Genetics (formerly Invitae), Labcorp
Classification: Uncertain significance for Charcot-Marie-Tooth disease axonal type 2O. Last evaluated: 2024-11-10. Review status: criteria provided, single submitter. Criteria: Invitae Variant Classification Sherloc (09022015). Collection method: clinical testing. Allele origin: germline.
Comment: This sequence change replaces methionine, which is neutral and non-polar, with threonine, which is neutral and polar, at codon 1398 of the DYNC1H1 protein (p.Met1398Thr). This variant is not present in population databases (gnomAD no frequency). This variant has not been reported in the literature in individuals affected with DYNC1H1-related conditions. ClinVar contains an entry for this variant (Variation ID: 577385). Invitae Evidence Modeling of protein sequence and biophysical properties (such as structural, functional, and spatial information, amino acid conservation, physicochemical variation, residue mobility, and thermodynamic stability) indicates that this missense variant is not expected to disrupt DYNC1H1 protein function with a negative predictive value of 95%. In summary, the available evidence is currently insufficient to determine the role of this variant in disease. Therefore, it has been classified as a Variant of Uncertain Significance.

NM_001376.5(DYNC1H1):c.4193T>C (p.Met1398Thr)

Gene: DYNC1H1 (dynein cytoplasmic 1 heavy chain 1; plus strand). Cytogenetic location: 14q32.31.
Variant type: single nucleotide variant.
Coding change: c.4193T>C on transcript NM_001376.5 (MANE Select); coding-DNA position 4193, T replaced by C.
Protein change: p.Met1398Thr; replaces methionine 1398 with threonine.
Molecular consequence: missense variant.
Genome position (GRCh38, 1-based): chr14:102,001,152, T>C. VCF-style: chr14-102001152-T-C. GRCh37 (hg19) VCF-style: chr14-102467489-T-C.
Other names: short protein forms M1398T.
Identifiers: ClinVar variation 577385 (VCV000577385.8), dbSNP rs1567006255, ClinGen allele CA391039978.
Genomic context (GRCh38, chr14:102,001,152, plus strand): 5'-AGTGTCCATTAGAAACGCACCTGCACAGATCACTTTGTTTACTTTCTCCACAGATAAATA[T>C]GCTGGTGATTGAACTGAAATCCGAAGCACTTAAAGACCGCCATTGGAAACAGCTCATGAA-3'
Protein context (NP_001367.2, residues 1388-1408): RLLKGYMKIN[Met1398Thr]LVIELKSEAL